The following is an entry in ClinVar:

NM_001365536.1(SCN9A):c.3284A>T (p.Glu1095Val)

Genes: SCN9A (sodium voltage-gated channel alpha subunit 9; minus strand), SCN1A-AS1 (SCN1A and SCN9A antisense RNA 1; plus strand). Cytogenetic location: 2q24.3.
Variant type: single nucleotide variant.
Coding change: c.3284A>T on transcript NM_001365536.1 (MANE Select); coding-DNA position 3284, A replaced by T.
Protein change: p.Glu1095Val; replaces glutamic acid 1095 with valine.
Molecular consequence: missense variant.
Genome position (GRCh38, 1-based): chr2:166,272,466, T>A on the plus strand (A>T on the coding strand, the complement: SCN9A is on the minus strand). VCF-style: chr2-166272466-T-A. GRCh37 (hg19) VCF-style: chr2-167128976-T-A.
Other names: c.3251A>T, p.Glu1084Val (NM_002977.4); short protein forms E1084V, E1095V.
Identifiers: ClinVar variation 538476 (VCV000538476.9), dbSNP rs201189589, ClinGen allele CA59791068.

ClinVar aggregate classification (germline): Uncertain significance (1 of 4 stars; one submission).

Conditions:
Neuropathy, hereditary sensory and autonomic, type 2A (HSAN2A). Also called: ACROOSTEOLYSIS, GIACCAI TYPE; ACROOSTEOLYSIS, NEUROGENIC; MORVAN DISEASE; NEUROPATHY, CONGENITAL SENSORY; NEUROPATHY, HEREDITARY SENSORY RADICULAR, AUTOSOMAL RECESSIVE; NEUROPATHY, HEREDITARY SENSORY, TYPE IIA. Identifiers: Orphanet 970, MedGen C2752089, MONDO:0024309, OMIM 201300.
Generalized epilepsy with febrile seizures plus, type 7 (GEFSP7). Also called: GEFS+, TYPE 7. Identifiers: Orphanet 36387, MedGen C2751778, MONDO:0013470, OMIM 613863.

Allele frequency attached by ClinVar (database versions not stated): TOPMed 0.00001; gnomAD 0.00002.
gnomAD v4.1: 3 of 1,611,884 alleles (0.00019%); highest among the groups gnomAD compares: African/African-American, 0.004%; no homozygotes.

Submission:

Labcorp Genetics (formerly Invitae), Labcorp
Classification: Uncertain significance for Neuropathy, hereditary sensory and autonomic, type 2A; Generalized epilepsy with febrile seizures plus, type 7. Last evaluated: 2026-01-21. Review status: criteria provided, single submitter. Criteria: Invitae Variant Classification Sherloc (09022015). Collection method: clinical testing. Allele origin: germline.
Comment: This sequence change replaces glutamic acid, which is acidic and polar, with valine, which is neutral and non-polar, at codon 1084 of the SCN9A protein (p.Glu1084Val). This variant is not present in population databases (gnomAD no frequency). This variant has not been reported in the literature in individuals affected with SCN9A-related conditions. ClinVar contains an entry for this variant (Variation ID: 538476). Invitae Evidence Modeling of protein sequence and biophysical properties (such as structural, functional, and spatial information, amino acid conservation, physicochemical variation, residue mobility, and thermodynamic stability) has been performed for this missense variant. However, the output from this modeling did not meet the statistical confidence thresholds required to predict the impact of this variant on SCN9A protein function. In summary, the available evidence is currently insufficient to determine the role of this variant in disease. Therefore, it has been classified as a Variant of Uncertain Significance.